The following is an entry in ClinVar:

NM_006648.4(WNK2):c.6446T>C (p.Leu2149Pro)

Gene: WNK2 (WNK lysine deficient protein kinase 2; plus strand). Cytogenetic location: 9q22.31.
Variant type: single nucleotide variant.
Coding change: c.6446T>C on transcript NM_006648.4 (MANE Select); coding-DNA position 6446, T replaced by C.
Protein change: p.Leu2149Pro; replaces leucine 2149 with proline.
Molecular consequence: missense variant.
Genome position (GRCh38, 1-based): chr9:93,308,514, T>C. VCF-style: chr9-93308514-T-C. GRCh37 (hg19) VCF-style: chr9-96070796-T-C.
Other names: c.6557T>C, p.Leu2186Pro (NM_001282394.3); short protein forms L2186P, L2149P.
Identifiers: ClinVar variation 3817273 (VCV003817273.1).
Genomic context (GRCh38, chr9:93,308,514, plus strand): 5'-TGGACGAGTGGACGAGCAAGACGGTGGGGGCCGCGCAGCTGAAGCCCACGCTCAACCAGC[T>C]GAAGCAGACCCAGAAGCTGCAAGACATGGAGGCCCAGGCAGGCTGGGCTGCCCCTGGCGA-3'
Protein context (NP_006639.3, residues 2139-2159): AAQLKPTLNQ[Leu2149Pro]KQTQKLQDME

ClinVar aggregate classification (germline): Uncertain significance (1 of 4 stars; one submission).

Submission:

Ambry Genetics
Classification: Uncertain significance. Last evaluated: 2025-03-14. Review status: criteria provided, single submitter. Criteria: Ambry Variant Classification Scheme 2023. Collection method: clinical testing. Allele origin: germline.
Comment: The p.L2149P variant (also known as c.6446T>C), located in coding exon 27 of the WNK2 gene, results from a T to C substitution at nucleotide position 6446. The leucine at codon 2149 is replaced by proline, an amino acid with similar properties. This amino acid position is conserved. In addition, this alteration is predicted to be deleterious by in silico analysis. Based on the available evidence, the clinical significance of this variant remains unclear.